The following is an entry in ClinVar:

NM_153717.3(EVC):c.148del (p.Ala50fs)

Gene: EVC (EvC ciliary complex subunit 1; plus strand). Cytogenetic location: 4p16.2.
Variant type: Deletion.
Coding change: c.148del on transcript NM_153717.3 (MANE Select); coding-DNA position 148, one base deleted (G; older notation c.148delG).
Protein change: p.Ala50fs; shifts the reading frame from alanine 50.
Molecular consequence: frameshift variant.
Genome position (GRCh38, 1-based): chr4:5,711,528, G deleted. VCF-style (leftmost placement, unchanged base first): chr4-5711527-CG-C. GRCh37 (hg19) VCF-style: chr4-5713254-CG-C.
Other names: c.148del, p.Ala50fs (NM_001306090.2, NM_001306092.2); short protein forms A50fs.
Identifiers: ClinVar variation 5011607 (VCV005011607.1).

ClinVar aggregate classification (germline): Pathogenic (1 of 4 stars; one submission).

Conditions:
Ellis-van Creveld syndrome (EVC). Also called: MESOECTODERMAL DYSPLASIA; Chondroectodermal dysplasia. Identifiers: Orphanet 289, MedGen C0013903, MONDO:0009162, OMIM 225500.

Submission:

Myriad Genetics, Inc.
Classification: Pathogenic for Ellis-van Creveld syndrome. Last evaluated: 2023-09-08. Review status: criteria provided, single submitter. Criteria: Myriad Autosomal Dominant, Autosomal Recessive and X-Linked Classification Criteria (2023). Collection method: clinical testing. Allele origin: unknown.
Comment: NM_153717.2(EVC):c.148delG(A50Rfs*66) is expected to be pathogenic in the context of EVC-related Ellis-van Creveld syndrome. This variant is predicted to lead to an abnormal or absent protein product due to the creation of a premature termination codon in EVC, a gene where loss-of-function variants are known to be pathogenic. Please note: this variant was assessed in the context of healthy population screening.